The following is an entry in ClinVar:

NM_000257.4(MYH7):c.722C>A (p.Ser241Tyr)

Gene: MYH7 (myosin heavy chain 7; minus strand). Cytogenetic location: 14q11.2.
Variant type: single nucleotide variant.
Coding change: c.722C>A on transcript NM_000257.4 (MANE Select); coding-DNA position 722, C replaced by A.
Protein change: p.Ser241Tyr; replaces serine 241 with tyrosine.
Molecular consequence: missense variant.
Genome position (GRCh38, 1-based): chr14:23,431,595, G>T on the plus strand (C>A on the coding strand, the complement: MYH7 is on the minus strand). VCF-style: chr14-23431595-G-T. GRCh37 (hg19) VCF-style: chr14-23900804-G-T.
Other names: short protein forms S241Y.
Identifiers: ClinVar variation 1431304 (VCV001431304.9), dbSNP rs2138681654, ClinGen allele CA389052186.

ClinVar aggregate classification (germline): Uncertain significance. Review status: criteria provided, multiple submitters, no conflicts (2 of 4 stars). 2 submissions from 2 submitters: Uncertain significance (2). Last evaluated 2026-01-31.

Conditions:
MYH7-related disorder. Also called: MYH7-related condition; MYH7-related disease; MYH7-related disorders.
Hypertrophic cardiomyopathy. Also called: HYPERTROPHIC MYOCARDIOPATHY. Identifiers: Orphanet 217569, MedGen C0007194, MeSH D002312, MONDO:0005045, HP:0001639.

Submissions (2):

3billion
Classification: Uncertain significance for MYH7-related disorder. Last evaluated: 2026-01-31. Review status: criteria provided, single submitter. Criteria: ACMG Guidelines, 2015. Collection method: clinical testing. Allele origin: germline. Affected: yes.
Comment: The variant is not observed in the gnomAD v4.1.0 dataset. Predicted Consequence/Location: The variant is located in a mutational hot spot and/or well-established functional domain in which established pathogenic variants have been reported (PMID: 29300372). In silico tool predictions suggest damaging effect of the variant on gene or gene product [REVEL: 0.94 (>=0.6, sensitivity 0.68 and specificity 0.92); 3Cnet: 0.99 (> 0.75, sensitivity 0.96 and precision 0.92)]. The variant has been reported as of uncertain significance (ClinVar ID: VCV001431304). Different missense changes at the same codon have been reported as of uncertain significance (ClinVar ID: VCV001316721, VCV000942795). Therefore, this variant is classified as VUS according to the recommendation of ACMG/AMP guideline.

Labcorp Genetics (formerly Invitae), Labcorp
Classification: Uncertain significance for Hypertrophic cardiomyopathy. Last evaluated: 2022-08-19. Review status: criteria provided, single submitter. Criteria: Invitae Variant Classification Sherloc (09022015). Collection method: clinical testing. Allele origin: germline.
Comment: In summary, the available evidence is currently insufficient to determine the role of this variant in disease. Therefore, it has been classified as a Variant of Uncertain Significance. This variant is found within a region of MYH7 between codons 181 and 937 that contains the majority of the myosin head domain. Missense variants in this region have been shown to be significantly overrepresented in individuals with hypertrophic cardiomyopathy (PMID: 27532257). Algorithms developed to predict the effect of missense changes on protein structure and function are either unavailable or do not agree on the potential impact of this missense change (SIFT: "Deleterious"; PolyPhen-2: "Probably Damaging"; Align-GVGD: "Class C15"). ClinVar contains an entry for this variant (Variation ID: 1431304). This sequence change replaces serine, which is neutral and polar, with tyrosine, which is neutral and polar, at codon 241 of the MYH7 protein (p.Ser241Tyr). This variant is not present in population databases (gnomAD no frequency). This variant has not been reported in the literature in individuals affected with MYH7-related conditions.

Literature cited by the submitters: PubMed 27532257 (cited by Labcorp Genetics (formerly Invitae), Labcorp).